The following is an entry in ClinVar:

NM_000071.2(CBS):c.832_833insCTGGGGTGGATCATCCAGGTGGGGCTTTTGCTGGGCTTGAGCCCTGAAGCCGTGCCCTCTGCAGATCA

Gene: CBS (cystathionine beta-synthase; minus strand). Cytogenetic location: 21q22.3.
Variant type: Insertion.
Coding change: c.832_833insCTGGGGTGGATCATCCAGGTGGGGCTTTTGCTGGGCTTGAGCCCTGAAGCCGTGCCCTCTGCAGATCA on transcript NM_000071.2; coding-DNA positions 832 to 833, CTGGGGTGGATCATCCAGGTGGGGCTTTTGCTGGGCTTGAGCCCTGAAGCCGTGCCCTCTGCAGATCA inserted.
Genome position: GRCh38: chr21:43,063,089-43,063,090. GRCh37 (hg19): chr21:44,483,199-44,483,200.
Identifiers: ClinVar variation 1456705 (VCV001456705.5), ClinGen allele CA2573157460.

ClinVar aggregate classification (germline): Conflicting classifications of pathogenicity. Review status: criteria provided, conflicting classifications (1 of 4 stars). 2 submissions from 2 submitters: Likely pathogenic (1); Benign (1). Last evaluated 2025-05-12.

Conditions:
HYPERHOMOCYSTEINEMIA, THROMBOTIC, CBS-RELATED. Identifiers: MedGen C3150344, OMIM 236200.
Classic homocystinuria. Also called: Homocystinuria due to Cystathionine Beta-Synthase Deficiency; HOMOCYSTINURIA WITH OR WITHOUT RESPONSE TO PYRIDOXINE; Homocystinuria due to CBS deficiency; Cystathionine beta-synthase deficiency; CBS deficiency. Identifiers: Orphanet 394, MedGen C0751202, MONDO:0009352, OMIM 236200.

Submissions (2):

Natera, Inc.
Classification: Likely pathogenic for Homocystinuria due to cystathionine beta-synthase deficiency. Last evaluated: 2025-05-12. Review status: criteria provided, single submitter. Criteria: Natera Variant Classification Schema (03/2026). Collection method: clinical testing. Allele origin: germline.
Comment: The c.832_833insCTGGGGTGGATCATCCAGGTGGGGCTTTTGCTGGGCTTGAGCCCTGAAGCCGTGCCCTCTGCAGATCA variant in CBS is a frameshift variant predicted to shift the reading frame beginning at codon 278 and leads to a stop codon 16 codons downstream. This variant is expected to result in nonsense mediated decay, truncation, or a dysfunctional protein product. This variant is rare in the general population with a frequency below the threshold expected for the associated phenotype(s). Given the available evidence, this variant is classified as Likely Pathogenic.

Labcorp Genetics (formerly Invitae), Labcorp
Classification: Benign for HYPERHOMOCYSTEINEMIA, THROMBOTIC, CBS-RELATED. Last evaluated: 2024-01-01. Review status: criteria provided, single submitter. Criteria: Invitae Variant Classification Sherloc (09022015). Collection method: clinical testing. Allele origin: germline.